The following is an entry in ClinVar:

NM_001606.5(ABCA2):c.4127C>T (p.Ala1376Val)

Gene: ABCA2 (ATP binding cassette subfamily A member 2; minus strand). Cytogenetic location: 9q34.3.
Variant type: single nucleotide variant.
Coding change: c.4127C>T on transcript NM_001606.5 (MANE Select); coding-DNA position 4127, C replaced by T.
Protein change: p.Ala1376Val; replaces alanine 1376 with valine.
Molecular consequence: missense variant.
Genome position (GRCh38, 1-based): chr9:137,014,281, G>A on the plus strand (C>T on the coding strand, the complement: ABCA2 is on the minus strand). VCF-style: chr9-137014281-G-A. GRCh37 (hg19) VCF-style: chr9-139908733-G-A.
Other names: c.4124C>T, p.Ala1375Val (NM_001411042.1); c.4217C>T, p.Ala1406Val (NM_212533.3); short protein forms A1375V, A1376V, A1406V.
Identifiers: ClinVar variation 2506632 (VCV002506632.1), dbSNP rs769045170, ClinGen allele CA5354513.

ClinVar aggregate classification (germline): Uncertain significance (1 of 4 stars; one submission).

Allele frequency attached by ClinVar (database versions not stated): gnomAD 0.00001; ExAC 0.00003; gnomAD exomes 0.00003; TOPMed 0.00004.
gnomAD v4.1: 42 of 1,611,170 alleles (0.0026%); highest among the groups gnomAD compares: Middle Eastern, 0.016%; no homozygotes.

Submission:

GeneDx
Classification: Uncertain significance. Last evaluated: 2022-12-20. Review status: criteria provided, single submitter. Criteria: GeneDx Variant Classification Process June 2021. Collection method: clinical testing. Allele origin: germline. Affected: yes.
Comment: In silico analysis supports that this missense variant does not alter protein structure/function; Has not been previously published as pathogenic or benign to our knowledge